The following is an entry in ClinVar:

NM_000093.5(COL5A1):c.1540G>A (p.Gly514Ser)

Gene: COL5A1 (collagen type V alpha 1 chain; plus strand). Cytogenetic location: 9q34.3.
Variant type: single nucleotide variant.
Coding change: c.1540G>A on transcript NM_000093.5 (MANE Select); coding-DNA position 1540, G replaced by A.
Protein change: p.Gly514Ser; replaces glycine 514 with serine.
Molecular consequence: missense variant.
Genome position (GRCh38, 1-based): chr9:134,750,587, G>A. VCF-style: chr9-134750587-G-A. GRCh37 (hg19) VCF-style: chr9-137642433-G-A.
Other names: c.1540G>A, p.Gly514Ser (NM_001278074.1); short protein forms G514S.
Identifiers: ClinVar variation 236997 (VCV000236997.56), dbSNP rs878853652, ClinGen allele CA10582635.

ClinVar aggregate classification (germline): Conflicting classifications of pathogenicity. Review status: criteria provided, conflicting classifications (1 of 4 stars). 7 submissions from 7 submitters: Likely pathogenic (4); Uncertain significance (2). 1 of the submissions does not count toward it. Last evaluated 2026-07-13.

Conditions:
COL5A1-related disorders.
Cardiovascular phenotype. Identifiers: MedGen CN230736.
Fibromuscular dysplasia, multifocal. Identifiers: MedGen C5543412, MONDO:0859151, OMIM 619329.
Familial thoracic aortic aneurysm and aortic dissection (TAAD). Also called: Thoracic aortic aneurysms and dissections. Identifiers: Orphanet 91387, MedGen C4707243, MONDO:0019625.
Ehlers-Danlos syndrome, classic type, 1 (EDSCL1). Also called: EHLERS-DANLOS SYNDROME, GRAVIS TYPE; EHLERS-DANLOS SYNDROME, SEVERE CLASSIC TYPE; Ehlers-Danlos syndrome, type 1; Ehlers-Danlos Syndrome, Classic Type, COL5A1-Related; EDS I. Identifiers: MedGen C0268335, MONDO:0019567, OMIM 130000.

Allele frequency attached by ClinVar (database versions not stated): gnomAD exomes below 0.00001; TOPMed 0.00001.
gnomAD v4.1: 3 of 1,613,406 alleles (0.00019%); highest among the groups gnomAD compares: Non-Finnish European, 0.00017%; no homozygotes.

Submissions (7):

Molecular Diagnostic Laboratory for Inherited Cardiovascular Disease, Montreal Heart Institute
Classification: Likely pathogenic for Cardiovascular phenotype. Last evaluated: 2026-07-13. Review status: criteria provided, single submitter. Criteria: ACMG Guidelines, 2015. Collection method: clinical testing. Allele origin: germline. Affected: yes.
Comment: PS4_supp, PM1, PM2, PP3

Ambry Genetics
Classification: Likely pathogenic for Familial thoracic aortic aneurysm and aortic dissection. Last evaluated: 2024-12-20. Review status: criteria provided, single submitter. Criteria: Ambry Variant Classification Scheme 2023. Collection method: clinical testing. Allele origin: germline.
Comment: The p.G514S variant (also known as c.1540G>A), located in coding exon 12 of the COL5A1 gene, results from a G to A substitution at nucleotide position 1540. The glycine at codon 514 is replaced by serine, an amino acid with similar properties. This variant was reported in individual(s) with features consistent with classical Ehlers-Danlos syndrome (EDS) (Richer J et al. Arterioscler Thromb Vasc Biol, 2020 Nov;40:2686-2699). This variant is considered to be rare based on population cohorts in the Genome Aggregation Database (gnomAD). This amino acid position is highly conserved in available vertebrate species. In addition, this alteration is predicted to be deleterious by in silico analysis. Based on the majority of available evidence to date, this variant is likely to be pathogenic.

Labcorp Genetics (formerly Invitae), Labcorp
Classification: Likely pathogenic for Ehlers-Danlos syndrome, classic type, 1. Last evaluated: 2023-04-14. Review status: criteria provided, single submitter. Criteria: Invitae Variant Classification Sherloc (09022015). Collection method: clinical testing. Allele origin: germline.
Comment: This sequence change replaces glycine, which is neutral and non-polar, with serine, which is neutral and polar, at codon 514 of the COL5A1 protein (p.Gly514Ser). In summary, the currently available evidence indicates that the variant is pathogenic, but additional data are needed to prove that conclusively. Therefore, this variant has been classified as Likely Pathogenic. Advanced modeling of protein sequence and biophysical properties (such as structural, functional, and spatial information, amino acid conservation, physicochemical variation, residue mobility, and thermodynamic stability) has been performed at Invitae for this missense variant, however the output from this modeling did not meet the statistical confidence thresholds required to predict the impact of this variant on COL5A1 protein function. ClinVar contains an entry for this variant (Variation ID: 236997). This missense change has been observed in individuals with COL5A1-related conditions (PMID: 32938213). This variant is not present in population databases (gnomAD no frequency).

GeneDx
Classification: Uncertain significance. Last evaluated: 2023-02-14. Review status: criteria provided, single submitter. Criteria: GeneDx Variant Classification Process June 2021. Collection method: clinical testing. Allele origin: germline. Affected: yes.
Comment: Has been reported in one individual with classical EDS (cEDS), however, the variant was also present in three family members who did not meet the diagnostic criteria for cEDS (Richer et al., 2020).; Not observed at significant frequency in large population cohorts (gnomAD); In silico analysis supports that this missense variant has a deleterious effect on protein structure/function; Not located in the triple helical region, where the majority of pathogenic missense variants occur (Symoens et al., 2012; HGMD); This variant is associated with the following publications: (PMID: 32938213)

Blueprint Genetics
Classification: Likely pathogenic for COL5A1-related disorders. Last evaluated: 2020-10-02. Review status: criteria provided, single submitter. Criteria: ACMG Guidelines, 2015. Collection method: clinical testing. Allele origin: germline. Affected: yes. Observed: 3 variant alleles.

CeGaT Center for Human Genetics Tuebingen
Classification: Uncertain significance. Last evaluated: 2019-04-01. Review status: criteria provided, single submitter. Criteria: CeGaT Center For Human Genetics Tuebingen Variant Classification Criteria Version 2. Collection method: clinical testing. Allele origin: germline. Affected: yes. Observed: 1 variant allele.

OMIM
Classification: Pathogenic for FIBROMUSCULAR DYSPLASIA, MULTIFOCAL. Last evaluated: 2026-01-26. Review status: no assertion criteria provided. Collection method: literature only. Allele origin: germline. Not counted in ClinVar's aggregate classification.

Literature cited by the submitters: PubMed 32938213 (cited by 3 submitters).